The following is an entry in ClinVar:

ClinVar aggregate classification (germline): Benign. Review status: criteria provided, multiple submitters, no conflicts (2 of 4 stars). 5 submissions from 5 submitters: Benign (5). Last evaluated 2026-01-27.

Conditions:
Cataract 33. Also called: CATARACT 33, CORTICAL. Identifiers: Orphanet 91492, MedGen C3808107, MONDO:0012665, OMIM 611391.

Allele frequency attached by ClinVar (database versions not stated): ESP Exome Variant Server 0.16797; gnomAD 0.20403 and 0.21344; TOPMed 0.20935; 1000 Genomes Project 30x 0.26171; gnomAD exomes 0.26331; 1000 Genomes Project 0.26737; ExAC 0.28157.
gnomAD v4.1: 376,065 of 1,533,522 alleles (25%); highest among the groups gnomAD compares: East Asian, 39%; 48,505 homozygotes.

Submissions (5):

Labcorp Genetics (formerly Invitae), Labcorp
Classification: Benign for Cataract 33. Last evaluated: 2026-01-27. Review status: criteria provided, single submitter. Criteria: Invitae Variant Classification Sherloc (09022015). Collection method: clinical testing. Allele origin: germline.

Genome-Nilou Lab
Classification: Benign for Cataract 33. Last evaluated: 2021-07-14. Review status: criteria provided, single submitter. Criteria: ACMG Guidelines, 2015. Collection method: clinical testing. Allele origin: germline. Affected: no.

GeneDx
Classification: Benign. Last evaluated: 2018-04-02. Review status: criteria provided, single submitter. Criteria: GeneDx Variant Classification (06012015). Collection method: clinical testing. Allele origin: germline. Affected: yes.
Comment: This variant is considered likely benign or benign based on one or more of the following criteria: it is a conservative change, it occurs at a poorly conserved position in the protein, it is predicted to be benign by multiple in silico algorithms, and/or has population frequency not consistent with disease.

Breakthrough Genomics
Classification: Benign. Review status: criteria provided, single submitter. Criteria: ACMG Guidelines, 2015. Collection method: not provided. Allele origin: germline. Inheritance: Autosomal recessive inheritance. Affected: yes.

PreventionGenetics, part of Exact Sciences
Classification: Benign. Review status: criteria provided, single submitter. Criteria: ACMG Guidelines, 2015. Collection method: clinical testing. Allele origin: germline.

NM_001195.5(BFSP1):c.1033G>A (p.Gly345Ser)

Gene: BFSP1 (beaded filament structural protein 1; minus strand). Cytogenetic location: 20p12.1.
Variant type: single nucleotide variant.
Coding change: c.1033G>A on transcript NM_001195.5 (MANE Select); coding-DNA position 1033, G replaced by A.
Protein change: p.Gly345Ser; replaces glycine 345 with serine.
Molecular consequence: missense variant.
Genome position (GRCh38, 1-based): chr20:17,496,947, C>T on the plus strand (G>A on the coding strand, the complement: BFSP1 is on the minus strand). VCF-style: chr20-17496947-C-T. GRCh37 (hg19) VCF-style: chr20-17477592-C-T.
Other names: c.658G>A, p.Gly220Ser (NM_001161705.2); c.616G>A, p.Gly206Ser (NM_001278606.2, NM_001278608.2); c.700G>A, p.Gly234Ser (NM_001278607.2); short protein forms G345S, G234S, G220S, G206S.
Identifiers: ClinVar variation 257612 (VCV000257612.15), dbSNP rs6080719, ClinGen allele CA9772142.